The following is an entry in ClinVar:

NM_002294.3(LAMP2):c.92T>G (p.Leu31Arg)

Gene: LAMP2 (lysosome associated membrane protein 2; minus strand). Cytogenetic location: Xq24.
Variant type: single nucleotide variant.
Coding change: c.92T>G on transcript NM_002294.3 (MANE Select); coding-DNA position 92, T replaced by G.
Protein change: p.Leu31Arg; replaces leucine 31 with arginine.
Molecular consequence: missense variant.
Genome position (GRCh38, 1-based): chrX:120,456,742, A>C on the plus strand (T>G on the coding strand, the complement: LAMP2 is on the minus strand). VCF-style: chrX-120456742-A-C. GRCh37 (hg19) VCF-style: chrX-119590597-A-C.
Other names: c.92T>G, p.Leu31Arg (NM_001122606.1, NM_013995.2); short protein forms L31R.
Identifiers: ClinVar variation 3641389 (VCV003641389.2).

ClinVar aggregate classification (germline): Uncertain significance (1 of 4 stars; one submission).

Conditions:
Danon disease. Also called: ANTOPOL DISEASE; PSEUDOGLYCOGENOSIS II; GSD IIb; LYSOSOMAL GLYCOGEN STORAGE DISEASE WITHOUT ACID MALTASE DEFICIENCY; Glycogen Storage Disease Type IIb. Identifiers: Orphanet 34587, MedGen C0878677, MONDO:0010281, OMIM 300257.

Submission:

Labcorp Genetics (formerly Invitae), Labcorp
Classification: Uncertain significance for Danon disease. Last evaluated: 2024-05-04. Review status: criteria provided, single submitter. Criteria: Invitae Variant Classification Sherloc (09022015). Collection method: clinical testing. Allele origin: germline.
Comment: This sequence change replaces leucine, which is neutral and non-polar, with arginine, which is basic and polar, at codon 31 of the LAMP2 protein (p.Leu31Arg). This variant is not present in population databases (gnomAD no frequency). This variant has not been reported in the literature in individuals affected with LAMP2-related conditions. Advanced modeling of protein sequence and biophysical properties (such as structural, functional, and spatial information, amino acid conservation, physicochemical variation, residue mobility, and thermodynamic stability) performed at Invitae indicates that this missense variant is expected to disrupt LAMP2 protein function with a positive predictive value of 80%. In summary, the available evidence is currently insufficient to determine the role of this variant in disease. Therefore, it has been classified as a Variant of Uncertain Significance.